The following is an entry in ClinVar:

NM_000507.4(FBP1):c.170+765C>T

Gene: FBP1 (fructose-bisphosphatase 1; minus strand). Cytogenetic location: 9q22.32.
Variant type: single nucleotide variant.
Coding change: c.170+765C>T on transcript NM_000507.4 (MANE Select); 765 bases into the intron after coding-DNA position 170, C replaced by T.
Molecular consequence: intron variant.
Genome position (GRCh38, 1-based): chr9:94,638,376, G>A on the plus strand (C>T on the coding strand, the complement: FBP1 is on the minus strand). VCF-style: chr9-94638376-G-A. GRCh37 (hg19) VCF-style: chr9-97400658-G-A.
Other names: c.170+765C>T (NM_001127628.2).
Identifiers: ClinVar variation 4534314 (VCV004534314.6).
Genomic context (GRCh38, chr9:94,638,376, plus strand): 5'-GCTATGGAAGGAGGGCACACATCTTACCAAGATCCCCAAATGATTCCTGTGCCCAGTGAC[G>A]TTCGAGATGCACTCCATAGCGCATTCAGAACCATTCTACAAACCACTTTTGAGCTTTCCA-3'

ClinVar aggregate classification (germline): Benign (1 of 4 stars; one submission).

gnomAD v4.1: 622 of 152,292 alleles (0.41%); highest among the groups gnomAD compares: African/African-American, 1.4%; 7 homozygotes.

Submission:

CeGaT Center for Human Genetics Tuebingen
Classification: Benign. Last evaluated: 2026-01-01. Review status: criteria provided, single submitter. Criteria: CeGaT Center For Human Genetics Tuebingen Variant Classification Criteria Version 2. Collection method: clinical testing. Allele origin: germline. Affected: yes. Observed: 2 variant alleles.
Comment: FBP1: BS1, BS2